The following is an entry in ClinVar:

NM_003919.3(SGCE):c.410G>A (p.Arg137His)

Genes: CASD1 (CAS1 domain sialic acid O acetyltransferase 1; plus strand), SGCE (sarcoglycan epsilon; minus strand). Cytogenetic location: 7q21.3.
Variant type: single nucleotide variant.
Coding change: c.410G>A on transcript NM_003919.3 (MANE Select); coding-DNA position 410, G replaced by A.
Protein change: p.Arg137His; replaces arginine 137 with histidine.
Molecular consequence: missense variant.
Genome position (GRCh38, 1-based): chr7:94,623,378, C>T on the plus strand (G>A on the coding strand, the complement: SGCE is on the minus strand). VCF-style: chr7-94623378-C-T. GRCh37 (hg19) VCF-style: chr7-94252690-C-T.
Other names: c.410G>A, p.Arg137His (NM_001099400.2, NM_001099401.2, NM_001346717.2); c.287G>A, p.Arg96His (NM_001301139.2, NM_001362809.2); c.518G>A, p.Arg173His (NM_001346713.2, NM_001346715.2); c.323G>A, p.Arg108His (NM_001346719.2, NM_001362807.2); c.137G>A, p.Arg46His (NM_001346720.2, NM_001362808.2); c.410G>A (NM_003919.2); short protein forms R108H, R137H, R173H, R46H, R96H.
Identifiers: ClinVar variation 1099635 (VCV001099635.13), dbSNP rs548306335, ClinGen allele CA4348810.

ClinVar aggregate classification (germline): Conflicting classifications of pathogenicity. Review status: criteria provided, conflicting classifications (1 of 4 stars). 3 submissions from 3 submitters: Uncertain significance (1); Likely benign (1). 1 of the submissions does not count toward it. Last evaluated 2025-12-30.

Conditions:
Myoclonic dystonia 11 (DYT11). Also called: DYT-SGCE; Myoclonic dystonia; Dystonia 11; Dystonia, alcohol responsive; Hereditary essential myoclonus; SGCE Myoclonus-Dystonia. Identifiers: Orphanet 36899, MedGen C1834570, MONDO:0008044, OMIM 159900.
SGCE-related disorder. Also called: SGCE-related condition.

Allele frequency attached by ClinVar (database versions not stated): 1000 Genomes Project 0.00080; TOPMed 0.00004; gnomAD 0.00010 and 0.00003; 1000 Genomes Project 30x 0.00078.
gnomAD v4.1: 251 of 1,603,464 alleles (0.016%); highest among the groups gnomAD compares: South Asian, 0.21%; 2 homozygotes.

Submissions (3):

Labcorp Genetics (formerly Invitae), Labcorp
Classification: Likely benign for Myoclonic dystonia 11. Last evaluated: 2025-12-30. Review status: criteria provided, single submitter. Criteria: Invitae Variant Classification Sherloc (09022015). Collection method: clinical testing. Allele origin: germline.

Revvity Omics, Revvity
Classification: Uncertain significance for Myoclonic dystonia 11. Last evaluated: 2020-02-20. Review status: criteria provided, single submitter. Criteria: ACMG Guidelines, 2015. Collection method: clinical testing. Allele origin: germline.

PreventionGenetics, part of Exact Sciences
Classification: Likely benign for SGCE-related condition. Last evaluated: 2019-11-16. Review status: no assertion criteria provided. Collection method: clinical testing. Allele origin: germline. Not counted in ClinVar's aggregate classification.
Comment: This variant is classified as likely benign based on ACMG/AMP sequence variant interpretation guidelines (Richards et al. 2015 PMID: 25741868, with internal and published modifications).